The following is an entry in ClinVar:

ClinVar aggregate classification (germline): Uncertain significance. Review status: criteria provided, multiple submitters, no conflicts (2 of 4 stars). 2 submissions from 2 submitters: Uncertain significance (2). Last evaluated 2023-12-12.

Conditions:
Adams-Oliver syndrome 5 (AOS5). Identifiers: Orphanet 974, MedGen C4014970, MONDO:0014459, OMIM 616028.
Familial thoracic aortic aneurysm and aortic dissection (TAAD). Also called: Thoracic aortic aneurysms and dissections. Identifiers: Orphanet 91387, MedGen C4707243, MONDO:0019625.

Submissions (2):

Labcorp Genetics (formerly Invitae), Labcorp
Classification: Uncertain significance for Adams-Oliver syndrome 5. Last evaluated: 2023-12-12. Review status: criteria provided, single submitter. Criteria: Invitae Variant Classification Sherloc (09022015). Collection method: clinical testing. Allele origin: germline.
Comment: This sequence change replaces cysteine, which is neutral and slightly polar, with tryptophan, which is neutral and slightly polar, at codon 1244 of the NOTCH1 protein (p.Cys1244Trp). This variant is not present in population databases (gnomAD no frequency). This variant has not been reported in the literature in individuals affected with NOTCH1-related conditions. ClinVar contains an entry for this variant (Variation ID: 1734401). Advanced modeling of protein sequence and biophysical properties (such as structural, functional, and spatial information, amino acid conservation, physicochemical variation, residue mobility, and thermodynamic stability) performed at Invitae indicates that this missense variant is expected to disrupt NOTCH1 protein function with a positive predictive value of 80%. In summary, the available evidence is currently insufficient to determine the role of this variant in disease. Therefore, it has been classified as a Variant of Uncertain Significance.

Ambry Genetics
Classification: Uncertain significance for Familial thoracic aortic aneurysm and aortic dissection. Last evaluated: 2021-07-27. Review status: criteria provided, single submitter. Criteria: Ambry Variant Classification Scheme 2023. Collection method: clinical testing. Allele origin: germline.
Comment: The p.C1244W variant (also known as c.3732C>G), located in coding exon 23 of the NOTCH1 gene, results from a C to G substitution at nucleotide position 3732. The cysteine at codon 1244 is replaced by tryptophan, an amino acid with highly dissimilar properties. This amino acid position is conserved. In addition, this alteration is predicted to be deleterious by in silico analysis. Since supporting evidence is limited at this time, the clinical significance of this alteration remains unclear.

NM_017617.5(NOTCH1):c.3732C>G (p.Cys1244Trp)

Gene: NOTCH1 (notch receptor 1; minus strand). Cytogenetic location: 9q34.3.
Variant type: single nucleotide variant.
Coding change: c.3732C>G on transcript NM_017617.5 (MANE Select); coding-DNA position 3732, C replaced by G.
Protein change: p.Cys1244Trp; replaces cysteine 1244 with tryptophan.
Molecular consequence: missense variant.
Genome position (GRCh38, 1-based): chr9:136,506,885, G>C on the plus strand (C>G on the coding strand, the complement: NOTCH1 is on the minus strand). VCF-style: chr9-136506885-G-C. GRCh37 (hg19) VCF-style: chr9-139401337-G-C.
Other names: short protein forms C1244W.
Identifiers: ClinVar variation 1734401 (VCV001734401.5), dbSNP rs746262173, ClinGen allele CA375549460.